The following is an entry in ClinVar:

NM_001194998.2(CEP152):c.344G>A (p.Arg115Gln)

Gene: CEP152 (centrosomal protein 152; minus strand). Cytogenetic location: 15q21.1.
Variant type: single nucleotide variant.
Coding change: c.344G>A on transcript NM_001194998.2 (MANE Select); coding-DNA position 344, G replaced by A.
Protein change: p.Arg115Gln; replaces arginine 115 with glutamine.
Molecular consequence: missense variant.
Genome position (GRCh38, 1-based): chr15:48,797,497, C>T on the plus strand (G>A on the coding strand, the complement: CEP152 is on the minus strand). VCF-style: chr15-48797497-C-T. GRCh37 (hg19) VCF-style: chr15-49089694-C-T.
Other names: c.344G>A (NM_001194998.1); c.344G>A, p.Arg115Gln (NM_014985.4); short protein forms R115Q.
Identifiers: ClinVar variation 158257 (VCV000158257.60), dbSNP rs188101277, ClinGen allele CA211060.

ClinVar aggregate classification (germline): Conflicting classifications of pathogenicity. Review status: criteria provided, conflicting classifications (1 of 4 stars). 12 submissions from 11 submitters: Uncertain significance (3); Benign (1); Likely benign (5). 3 of the submissions do not count toward it. Last evaluated 2026-09-01.

Conditions:
CEP152-related disorder. Also called: CEP152-related disorders; CEP152-related condition. Identifiers: MedGen CN239248.
Microcephaly 9, primary, autosomal recessive. Identifiers: Orphanet 2512, MedGen C3553886, MONDO:0013923, OMIM 614852.
Seckel syndrome 5 (SCKL5). Identifiers: Orphanet 808, MedGen C3151187, MONDO:0013443, OMIM 613823.

Allele frequency attached by ClinVar (database versions not stated): 1000 Genomes Project 0.00200; 1000 Genomes Project 30x 0.00219; ExAC 0.00240; gnomAD exomes 0.00270; gnomAD 0.00292 and 0.00303; TOPMed 0.00322; ESP Exome Variant Server 0.00427.
gnomAD v4.1: 6,405 of 1,614,096 alleles (0.4%); highest among the groups gnomAD compares: Non-Finnish European, 0.47%; 22 homozygotes.

Submissions (12):

CeGaT Center for Human Genetics Tuebingen
Classification: Likely benign. Last evaluated: 2026-09-01. Review status: criteria provided, single submitter. Criteria: CeGaT Center For Human Genetics Tuebingen Variant Classification Criteria Version 2. Collection method: clinical testing. Allele origin: germline. Affected: yes. Observed: 17 variant alleles.
Comment: CEP152: BP4, BS2

Labcorp Genetics (formerly Invitae), Labcorp
Classification: Benign. Last evaluated: 2026-01-21. Review status: criteria provided, single submitter. Criteria: Invitae Variant Classification Sherloc (09022015). Collection method: clinical testing. Allele origin: germline.

Blueprint Genetics
Classification: Likely benign. Last evaluated: 2024-11-27. Review status: criteria provided, single submitter. Criteria: ACMG Guidelines, 2015. Collection method: clinical testing. Allele origin: germline.

GeneDx
Classification: Likely benign. Last evaluated: 2021-02-23. Review status: criteria provided, single submitter. Criteria: GeneDx Variant Classification Process June 2021. Collection method: clinical testing. Allele origin: germline. Affected: yes.

Illumina Laboratory Services, Illumina
Classification: Uncertain significance for Microcephaly 9, primary, autosomal recessive. Last evaluated: 2018-01-13. Review status: criteria provided, single submitter. Criteria: ICSL Variant Classification Criteria 13 December 2019. Collection method: clinical testing. Allele origin: germline.

Illumina Laboratory Services, Illumina
Classification: Likely benign for Seckel syndrome 5. Last evaluated: 2018-01-13. Review status: criteria provided, single submitter. Criteria: ICSL Variant Classification Criteria 13 December 2019. Collection method: clinical testing. Allele origin: germline.
Comment: This variant was observed in the ICSL laboratory as part of a predisposition screen in an ostensibly healthy population. It had not been previously curated by ICSL or reported in the Human Gene Mutation Database (HGMD: prior to June 1st, 2018), and was therefore a candidate for classification through an automated scoring system. Utilizing variant allele frequency, disease prevalence and penetrance estimates, and inheritance mode, an automated score was calculated to assess if this variant is too frequent to cause the disease. Based on the score and internal cut-off values, a variant classified as likely benign is not then subjected to further curation. The score for this variant resulted in a classification of likely benign for this disease.

Genetic Services Laboratory, University of Chicago
Classification: Likely benign. Last evaluated: 2017-04-12. Review status: criteria provided, single submitter. Criteria: ACMG Guidelines, 2015. Collection method: clinical testing. Allele origin: germline. Affected: no.

Center for Pediatric Genomic Medicine, Children's Mercy Hospital and Clinics
Classification: Uncertain significance. Last evaluated: 2016-04-18. Review status: criteria provided, single submitter. Criteria: ACMG Guidelines, 2015. Collection method: clinical testing. Allele origin: germline.
ClinVar note: Converted during submission from Uncertain Significance to Uncertain significance.

Eurofins Ntd Llc (ga)
Classification: Uncertain significance. Last evaluated: 2014-05-19. Review status: criteria provided, single submitter. Criteria: EGL Classification Definitions 2015. Collection method: clinical testing. Allele origin: germline. Observed: 1 variant allele, 1 heterozygote.

PreventionGenetics, part of Exact Sciences
Classification: Likely benign for CEP152-related condition. Last evaluated: 2021-02-23. Review status: no assertion criteria provided. Collection method: clinical testing. Allele origin: germline. Not counted in ClinVar's aggregate classification.
Comment: This variant is classified as likely benign based on ACMG/AMP sequence variant interpretation guidelines (Richards et al. 2015 PMID: 25741868, with internal and published modifications).

Clinical Genetics DNA and cytogenetics Diagnostics Lab, Erasmus MC, Erasmus Medical Center
Classification: Likely benign. Review status: no assertion criteria provided. Collection method: clinical testing. Allele origin: germline. Affected: yes. Study: VKGL Data-share Consensus. Not counted in ClinVar's aggregate classification.

Laboratory of Diagnostic Genome Analysis, Leiden University Medical Center (LUMC)
Classification: Likely benign. Review status: no assertion criteria provided. Collection method: clinical testing. Allele origin: germline. Affected: yes. Study: VKGL Data-share Consensus. Not counted in ClinVar's aggregate classification.